The following is an entry in ClinVar:

NM_003978.5(PSTPIP1):c.778A>G (p.Ser260Gly)

Gene: PSTPIP1 (proline-serine-threonine phosphatase interacting protein 1; plus strand). Cytogenetic location: 15q24.3.
Variant type: single nucleotide variant.
Coding change: c.778A>G on transcript NM_003978.5 (MANE Select); coding-DNA position 778, A replaced by G.
Protein change: p.Ser260Gly; replaces serine 260 with glycine.
Molecular consequence: missense variant.
Genome position (GRCh38, 1-based): chr15:77,032,334, A>G. VCF-style: chr15-77032334-A-G. GRCh37 (hg19) VCF-style: chr15-77324675-A-G.
Other names: c.778A>G, p.Ser260Gly (NM_001321135.2, NM_001411086.1); c.751A>G, p.Ser251Gly (NM_001321136.2); c.973A>G, p.Ser325Gly (NM_001321137.1); short protein forms S251G, S260G, S325G.
Identifiers: ClinVar variation 2046273 (VCV002046273.4), dbSNP rs780080026, ClinGen allele CA7675979.
Genomic context (GRCh38, chr15:77,032,334, plus strand): 5'-GGCCTCTGCTCTTTCCTGCCCCAGCTCTACGAGGAAGTGCGGCTGACGCTGGAAGGCTGC[A>G]GCATAGACGCCGACATCGACAGTTTCATCCAGGCCAAGAGCACGGGCACAGAGCCCCCCG-3'
Protein context (NP_003969.2, residues 250-270): EEVRLTLEGC[Ser260Gly]IDADIDSFIQ

ClinVar aggregate classification (germline): Uncertain significance (1 of 4 stars; one submission).

Conditions:
Pyogenic arthritis-pyoderma gangrenosum-acne syndrome (PAPA). Also called: FAMILIAL RECURRENT ARTHRITIS; PAPA SYNDROME. Identifiers: Orphanet 69126, MedGen C1858361, MONDO:0011462, OMIM 604416.

Allele frequency attached by ClinVar (database versions not stated): gnomAD exomes below 0.00001; ExAC 0.00001; gnomAD 0.00001; TOPMed 0.00001.
gnomAD v4.1: 2 of 1,612,484 alleles (0.00012%); highest among the groups gnomAD compares: African/African-American, 0.0013%; no homozygotes.

Submission:

Labcorp Genetics (formerly Invitae), Labcorp
Classification: Uncertain significance for Pyogenic arthritis-pyoderma gangrenosum-acne syndrome. Last evaluated: 2022-10-12. Review status: criteria provided, single submitter. Criteria: Invitae Variant Classification Sherloc (09022015). Collection method: clinical testing. Allele origin: germline.
Comment: In summary, the available evidence is currently insufficient to determine the role of this variant in disease. Therefore, it has been classified as a Variant of Uncertain Significance. Advanced modeling of protein sequence and biophysical properties (such as structural, functional, and spatial information, amino acid conservation, physicochemical variation, residue mobility, and thermodynamic stability) performed at Invitae indicates that this missense variant is not expected to disrupt PSTPIP1 protein function. This variant has not been reported in the literature in individuals affected with PSTPIP1-related conditions. This variant is present in population databases (rs780080026, gnomAD 0.003%). This sequence change replaces serine, which is neutral and polar, with glycine, which is neutral and non-polar, at codon 260 of the PSTPIP1 protein (p.Ser260Gly).